The following is an entry in ClinVar:

ClinVar aggregate classification (germline): Uncertain significance. Review status: criteria provided, multiple submitters, no conflicts (2 of 4 stars). 3 submissions from 3 submitters: Uncertain significance (2). 1 of the submissions does not count toward it. Last evaluated 2026-01-12.

Conditions:
CPS1-related disorder. Also called: CPS1-related condition.
Congenital hyperammonemia, type I. Also called: CPS I DEFICIENCY; Carbamoyl phosphate synthetase 1 deficiency; Hyperammonemia due to carbamoyl phosphate synthetase 1 deficiency; CPS 1 deficiency; Carbamyl phosphate synthetase (CPS) deficiency; Carbamoyl phosphate synthetase I deficiency disease. Identifiers: Orphanet 147, MedGen C4082171, MONDO:0009376, OMIM 237300.

Allele frequency attached by ClinVar (database versions not stated): gnomAD exomes below 0.00001 and 0.00001; TOPMed 0.00003; ExAC 0.00001; gnomAD 0.00001.
gnomAD v4.1: 17 of 1,611,942 alleles (0.0011%); highest among the groups gnomAD compares: East Asian, 0.0045%; no homozygotes.

Submissions (3):

PreventionGenetics, part of Exact Sciences
Classification: Uncertain significance for CPS1-related condition. Last evaluated: 2026-01-12. Review status: criteria provided, single submitter. Criteria: ACMG Guidelines, 2015. Collection method: clinical testing. Allele origin: germline.
Comment: The CPS1 c.2441G>A variant is predicted to result in the amino acid substitution p.Arg814Gln. To our knowledge, this variant has not been reported in the literature. This variant is reported in 0.0054% of alleles in individuals of East Asian descent in gnomAD. Another variant affecting the same amino acid position, c.2440C>T, p.(Arg814Trp), has been reported in individuals with CPS 1 deficiency or respiratory abnormalities (Table S1, Häberle et al. 2011. PubMed ID: 21120950; Rokicki et al. 2017. PubMed ID: 28526534; Table S2, Dai et al. 2021. PubMed ID: 34134972). Although we suspect that this variant may be pathogenic, at this time, the clinical significance of this c.2441G>A, p.(Arg814Gln) variant is uncertain due to the absence of conclusive functional and genetic evidence.

Labcorp Genetics (formerly Invitae), Labcorp
Classification: Uncertain significance for Congenital hyperammonemia, type I. Last evaluated: 2022-08-31. Review status: criteria provided, single submitter. Criteria: Invitae Variant Classification Sherloc (09022015). Collection method: clinical testing. Allele origin: germline.
Comment: This sequence change replaces arginine, which is basic and polar, with glutamine, which is neutral and polar, at codon 814 of the CPS1 protein (p.Arg814Gln). This variant is present in population databases (rs200731808, gnomAD 0.006%). This variant has not been reported in the literature in individuals affected with CPS1-related conditions. ClinVar contains an entry for this variant (Variation ID: 477852). Algorithms developed to predict the effect of missense changes on protein structure and function are either unavailable or do not agree on the potential impact of this missense change (SIFT: "Deleterious"; PolyPhen-2: "Probably Damaging"; Align-GVGD: "Class C0"). In summary, the available evidence is currently insufficient to determine the role of this variant in disease. Therefore, it has been classified as a Variant of Uncertain Significance.

Natera, Inc.
Classification: Uncertain significance for Carbamoyl-phosphate synthase I deficiency. Last evaluated: 2020-12-02. Review status: no assertion criteria provided. Collection method: clinical testing. Allele origin: germline. Not counted in ClinVar's aggregate classification.

NM_001875.5(CPS1):c.2441G>A (p.Arg814Gln)

Gene: CPS1 (carbamoyl-phosphate synthase 1; plus strand). Cytogenetic location: 2q34.
Variant type: single nucleotide variant.
Coding change: c.2441G>A on transcript NM_001875.5 (MANE Select); coding-DNA position 2441, G replaced by A.
Protein change: p.Arg814Gln; replaces arginine 814 with glutamine.
Molecular consequence: missense variant. On other transcripts: non-coding transcript variant (2).
Genome position (GRCh38, 1-based): chr2:210,612,166, G>A. VCF-style: chr2-210612166-G-A. GRCh37 (hg19) VCF-style: chr2-211476890-G-A.
Other names: c.2441G>A (LRG_336t1); c.2441G>A, p.Arg814Gln (NM_001122633.3, NM_001369257.1); c.2474G>A, p.Arg825Gln (NM_001369256.1); short protein forms R814Q, R825Q.
Identifiers: ClinVar variation 477852 (VCV000477852.9), dbSNP rs200731808, ClinGen allele CA2086639.